The following is an entry in ClinVar:

NM_005912.3(MC4R):c.-22A>T

Gene: MC4R (melanocortin 4 receptor; minus strand). Cytogenetic location: 18q21.32.
Variant type: single nucleotide variant.
Coding change: c.-22A>T on transcript NM_005912.3 (MANE Select); 22 bases upstream of the start codon, A replaced by T.
Molecular consequence: 5 prime UTR variant.
Genome position (GRCh38, 1-based): chr18:60,372,371, T>A on the plus strand (A>T on the coding strand, the complement: MC4R is on the minus strand). VCF-style: chr18-60372371-T-A. GRCh37 (hg19) VCF-style: chr18-58039604-T-A.
Identifiers: ClinVar variation 3356222 (VCV003356222.1).

ClinVar aggregate classification (germline): Likely benign (0 of 4 stars; one submission).

Conditions:
MC4R-related disorder. Also called: MC4R-related condition.

Submission:

PreventionGenetics, part of Exact Sciences
Classification: Likely benign for MC4R-related condition. Last evaluated: 2024-09-04. Review status: no assertion criteria provided. Collection method: clinical testing. Allele origin: germline.
Comment: This variant is classified as likely benign based on ACMG/AMP sequence variant interpretation guidelines (Richards et al. 2015 PMID: 25741868, with internal and published modifications).